The following is an entry in ClinVar:

NM_004006.3(DMD):c.2284A>T (p.Lys762Ter)

Gene: DMD (dystrophin; minus strand). Cytogenetic location: Xp21.1.
Variant type: single nucleotide variant.
Coding change: c.2284A>T on transcript NM_004006.3 (MANE Select); coding-DNA position 2284, A replaced by T.
Protein change: p.Lys762Ter; replaces lysine 762 with a stop codon.
Molecular consequence: nonsense.
Genome position (GRCh38, 1-based): chrX:32,518,016, T>A on the plus strand (A>T on the coding strand, the complement: DMD is on the minus strand). VCF-style: chrX-32518016-T-A. GRCh37 (hg19) VCF-style: chrX-32536133-T-A.
Other names: c.2260A>T, p.Lys754Ter (NM_000109.4); c.2272A>T, p.Lys758Ter (NM_004009.3); c.1915A>T, p.Lys639Ter (NM_004010.3); short protein forms K754*, K758*, K639*, K762*.
Identifiers: ClinVar variation 2098488 (VCV002098488.4), dbSNP rs2525544932, ClinGen allele CA412663642.

ClinVar aggregate classification (germline): Pathogenic (1 of 4 stars; one submission).

Conditions:
Duchenne muscular dystrophy (DMD). Also called: MUSCULAR DYSTROPHY, PSEUDOHYPERTROPHIC PROGRESSIVE, DUCHENNE TYPE; Duchenne Muscular Dystrophy (DMD). Identifiers: Orphanet 98896, MedGen C0013264, MONDO:0010679, OMIM 310200.

Submission:

Labcorp Genetics (formerly Invitae), Labcorp
Classification: Pathogenic for Duchenne muscular dystrophy. Last evaluated: 2022-07-14. Review status: criteria provided, single submitter. Criteria: Invitae Variant Classification Sherloc (09022015). Collection method: clinical testing. Allele origin: germline.
Comment: This sequence change creates a premature translational stop signal (p.Lys762*) in the DMD gene. It is expected to result in an absent or disrupted protein product. Loss-of-function variants in DMD are known to be pathogenic (PMID: 16770791, 25007885). This variant is not present in population databases (gnomAD no frequency). This variant has not been reported in the literature in individuals affected with DMD-related conditions. For these reasons, this variant has been classified as Pathogenic.

Literature cited by the submitters: PubMed 16770791; PubMed 25007885.